The following is an entry in ClinVar:

NM_018671.5(UNC45A):c.2028A>G (p.Glu676=)

Gene: UNC45A (unc-45 myosin chaperone A; plus strand). Cytogenetic location: 15q26.1.
Variant type: single nucleotide variant.
Coding change: c.2028A>G on transcript NM_018671.5 (MANE Select); coding-DNA position 2028, A replaced by G.
Protein change: p.Glu676=; no amino-acid change (glutamic acid 676 retained).
Molecular consequence: synonymous variant.
Genome position (GRCh38, 1-based): chr15:90,949,675, A>G. VCF-style: chr15-90949675-A-G. GRCh37 (hg19) VCF-style: chr15-91492905-A-G.
Other names: c.1983A>G, p.Glu661= (NM_001039675.2, NM_001323621.2); c.2028A>G, p.Glu676= (NM_001323619.1); c.1593A>G, p.Glu531= (NM_001323620.2).
Identifiers: ClinVar variation 2005755 (VCV002005755.11), dbSNP rs747480470, ClinGen allele CA7743159.

ClinVar aggregate classification (germline): Likely benign. Review status: criteria provided, multiple submitters, no conflicts (2 of 4 stars). 2 submissions from 2 submitters: Likely benign (2). Last evaluated 2025-03-01.

Allele frequency attached by ClinVar (database versions not stated): gnomAD exomes below 0.00001; ExAC 0.00001.
gnomAD v4.1: 3 of 1,614,172 alleles (0.00019%); highest among the groups gnomAD compares: Non-Finnish European, 0.00017%; no homozygotes.

Submissions (2):

CeGaT Center for Human Genetics Tuebingen
Classification: Likely benign. Last evaluated: 2025-03-01. Review status: criteria provided, single submitter. Criteria: CeGaT Center For Human Genetics Tuebingen Variant Classification Criteria Version 2. Collection method: clinical testing. Allele origin: germline. Affected: yes. Observed: 1 variant allele.
Comment: UNC45A: BP4, BP7

Labcorp Genetics (formerly Invitae), Labcorp
Classification: Likely benign. Last evaluated: 2023-07-07. Review status: criteria provided, single submitter. Criteria: Invitae Variant Classification Sherloc (09022015). Collection method: clinical testing. Allele origin: germline.